The following is an entry in ClinVar:

NM_000531.6(OTC):c.916A>G (p.Arg306Gly)

Gene: OTC (ornithine transcarbamylase; plus strand). Cytogenetic location: Xp11.4.
Variant type: single nucleotide variant.
Coding change: c.916A>G on transcript NM_000531.6 (MANE Select); coding-DNA position 916, A replaced by G.
Protein change: p.Arg306Gly; replaces arginine 306 with glycine.
Molecular consequence: missense variant.
Genome position (GRCh38, 1-based): chrX:38,411,910, A>G. VCF-style: chrX-38411910-A-G. GRCh37 (hg19) VCF-style: chrX-38271163-A-G.
Other names: short protein forms R306G.
Identifiers: ClinVar variation 1367024 (VCV001367024.8), dbSNP rs2147346548, ClinGen allele CA412726007.

ClinVar aggregate classification (germline): Uncertain significance (1 of 4 stars; one submission).

Conditions:
Ornithine carbamoyltransferase deficiency (OTCD). Also called: ORNITHINE TRANSCARBAMYLASE DEFICIENCY; Ornithine Carbamoyltransferase Deficiency Disease; ORNITHINE TRANSCARBAMYLASE DEFICIENCY, HYPERAMMONEMIA DUE TO; OTC DEFICIENCY. Identifiers: Orphanet 664, MedGen C0268542, MONDO:0010703, OMIM 311250.

Submission:

Labcorp Genetics (formerly Invitae), Labcorp
Classification: Uncertain significance for Ornithine carbamoyltransferase deficiency. Last evaluated: 2021-07-14. Review status: criteria provided, single submitter. Criteria: Invitae Variant Classification Sherloc (09022015). Collection method: clinical testing. Allele origin: germline.
Comment: This sequence change replaces arginine with glycine at codon 306 of the OTC protein (p.Arg306Gly). The arginine residue is highly conserved and there is a moderate physicochemical difference between arginine and glycine. This variant is not present in population databases (ExAC no frequency). This variant has been observed in individual(s) with clinical features of OTC deficiency (Invitae). Advanced modeling of protein sequence and biophysical properties (such as structural, functional, and spatial information, amino acid conservation, physicochemical variation, residue mobility, and thermodynamic stability) performed at Invitae indicates that this missense variant is expected to disrupt OTC protein function. This variant disrupts the p.Arg306 amino acid residue in OTC. Other variant(s) that disrupt this residue have been observed in individuals with OTC-related conditions (PMID: 23568734), which suggests that this may be a clinically significant amino acid residue. In summary, the available evidence is currently insufficient to determine the role of this variant in disease. Therefore, it has been classified as a Variant of Uncertain Significance.

Literature cited by the submitters: PubMed 23568734.